The following is an entry in ClinVar:

ClinVar aggregate classification (germline): Uncertain significance (1 of 4 stars; one submission).

Allele frequency attached by ClinVar (database versions not stated): gnomAD exomes 0.00001; TOPMed 0.00001; ExAC 0.00004.
gnomAD v4.1: 13 of 1,607,490 alleles (0.00081%); highest among the groups gnomAD compares: Middle Eastern, 0.017%; no homozygotes.

Submission:

Labcorp Genetics (formerly Invitae), Labcorp
Classification: Uncertain significance. Last evaluated: 2024-09-16. Review status: criteria provided, single submitter. Criteria: Invitae Variant Classification Sherloc (09022015). Collection method: clinical testing. Allele origin: germline.
Comment: This sequence change replaces glutamic acid, which is acidic and polar, with lysine, which is basic and polar, at codon 725 of the SKIV2L protein (p.Glu725Lys). This variant is present in population databases (rs750762742, gnomAD 0.003%). This variant has not been reported in the literature in individuals affected with SKIV2L-related conditions. ClinVar contains an entry for this variant (Variation ID: 2177221). An algorithm developed to predict the effect of missense changes on protein structure and function (PolyPhen-2) suggests that this variant is likely to be disruptive. In summary, the available evidence is currently insufficient to determine the role of this variant in disease. Therefore, it has been classified as a Variant of Uncertain Significance.

NM_006929.5(SKIC2):c.2173G>A (p.Glu725Lys)

Gene: SKIC2 (SKI2 subunit of superkiller complex; plus strand). Cytogenetic location: 6p21.33.
Variant type: single nucleotide variant.
Coding change: c.2173G>A on transcript NM_006929.5 (MANE Select); coding-DNA position 2173, G replaced by A.
Protein change: p.Glu725Lys; replaces glutamic acid 725 with lysine.
Molecular consequence: missense variant.
Genome position (GRCh38, 1-based): chr6:31,965,984, G>A. VCF-style: chr6-31965984-G-A. GRCh37 (hg19) VCF-style: chr6-31933761-G-A.
Other names: short protein forms E725K.
Identifiers: ClinVar variation 2177221 (VCV002177221.2), dbSNP rs750762742, ClinGen allele CA3729699.
Genomic context (GRCh38, chr6:31,965,984, plus strand): 5'-GGGCGGAGGGGCCTGGACCCCACAGGCACCGTTATCCTGCTCTGCAAGGGCCGAGTGCCC[G>A]AGATGGCAGACCTGCACCGCATGATGATGGTGAGCGGGCCAGCATGCTCGGCAGGGCCCC-3'
Protein context (NP_008860.4, residues 715-735): VILLCKGRVP[Glu725Lys]MADLHRMMMG